The following is an entry in ClinVar:

NM_000518.5(HBB):c.92+2T>G

Genes: HBB (hemoglobin subunit beta; minus strand), LOC106099062 (HBB recombination region; plus strand), LOC107133510 (origin of replication at HBB; plus strand). Cytogenetic location: 11p15.4.
Variant type: single nucleotide variant.
Coding change: c.92+2T>G on transcript NM_000518.5 (MANE Select); the canonical splice donor site of the intron after coding-DNA position 92, T replaced by G.
Molecular consequence: splice donor variant.
Genome position (GRCh38, 1-based): chr11:5,226,928, A>C on the plus strand (T>G on the coding strand, the complement: HBB is on the minus strand). VCF-style: chr11-5226928-A-C. GRCh37 (hg19) VCF-style: chr11-5248158-A-C.
Other names: IVS I-2 (T>G); IVS1, T-G, +2.
Identifiers: ClinVar variation 619860 (VCV000619860.14), dbSNP rs33956879, ClinGen allele CA217115031.

ClinVar aggregate classification (germline): Pathogenic. Review status: criteria provided, multiple submitters, no conflicts (2 of 4 stars). 6 submissions from 6 submitters: Pathogenic (4). 2 of the submissions do not count toward it. Last evaluated 2025-08-04.

Conditions:
beta Thalassemia (BTHAL). Also called: Cooley's anemia; Erythroblastic anemia; Mediterranean anemia. Identifiers: Orphanet 848, MedGen C0005283, MONDO:0019402. Disease mechanism: loss of function.
Beta zero thalassemia. Identifiers: MedGen C0271980.

Allele frequency attached by ClinVar (database versions not stated): TOPMed 0.00001; gnomAD exomes below 0.00001.
gnomAD v4.1: 1 of 1,612,530 alleles (0.000062%); highest among the groups gnomAD compares: Non-Finnish European, 0.000085%; no homozygotes.

Submissions (7):

Natera, Inc.
Classification: Pathogenic for Beta thalassemia. Last evaluated: 2025-08-04. Review status: criteria provided, single submitter. Criteria: Natera Variant Classification Schema (03/2026). Collection method: clinical testing. Allele origin: germline.
Comment: The c.92+2T>G variant in HBB is a canonical splice donor site variant predicted to affect pre-mRNA splicing, which may result in an abnormal transcript and altered protein product. This variant is expected to result in nonsense mediated decay, truncation, or a dysfunctional protein product. This variant is rare in the general population with a frequency below the threshold expected for the associated phenotype(s). This variant has been observed in one or more individuals affected with the associated recessive disease, as either homozygous or compound heterozygous with a second variant (PMID: 24369358). Another variant at this same site results in an alteration predicted to cause a similar molecular effect has been observed in individual(s) with the associated phenotype. Given the available evidence, this variant is classified as Pathogenic.

Women's Health and Genetics/Laboratory Corporation of America, LabCorp
Classification: Pathogenic for beta Thalassemia. Last evaluated: 2020-09-14. Review status: criteria provided, single submitter. Criteria: LabCorp Variant Classification Summary - May 2015. Collection method: clinical testing. Allele origin: germline.
Comment: Variant summary: HBB c.92+2T>G [commonly referred as IVS I-2 (T>G)] is located in a canonical splice-site and is predicted to affect mRNA splicing resulting in a significantly altered protein due to either exon skipping, shortening, or inclusion of intronic material. Several computational tools predict a significant impact on normal splicing: Four predict the variant abolishes a 5' splicing donor site. However, to our knowledge, these predictions have yet to be confirmed by functional studies. The variant was absent in 251218 control chromosomes. c.92+2T>G has been reported in the literature in multiple individuals affected with Beta Thalassemia (example, Chibani_1988, Jouini_2013). These data indicate that the variant is very likely to be associated with disease. No experimental evidence demonstrating an impact on protein function was ascertained in the context of this review. Three clinical diagnostic laboratories have submitted clinical-significance assessments for this variant to ClinVar after 2014 without evidence for independent evaluation. All laboratories classified the variant as pathogenic. Based on the evidence outlined above, the variant was classified as pathogenic.

ARUP Laboratories, Molecular Genetics and Genomics, ARUP Laboratories
Classification: Pathogenic. Last evaluated: 2018-12-18. Review status: criteria provided, single submitter. Criteria: ARUP Molecular Germline Variant Investigation Process. Collection method: clinical testing. Allele origin: germline.
Comment: The HBB c.92+2T>G variant (rs33956879), also known as IVS-I-2 (T>G), is reported in the HbVar database (see link to HbVar and references therein). This variant is absent from general population databases (1000 Genomes Project, Exome Variant Server, and Genome Aggregation Database), indicating it is not a common polymorphism. This variant disrupts the canonical splice donor site of intron 1, which is likely to disrupt gene function. Additionally, other variants at this nucleotide (c.92+2T>A, c.92+2T>C) have been reported in individuals with beta (0) thalassemia and beta thalassemia major, and are considered pathogenic (see links to HbVar and references therein). Based on available information, the IVS-I-2 (T>G) variant is considered to be pathogenic. References: Link to HbVar for IVS-1-2 (T>G): Link to HbVar database for IVS-I-2 (T>C): Link to HbVar database for IVS-1-2 (T>A)

Quest Diagnostics Nichols Institute San Juan Capistrano
Classification: Pathogenic. Last evaluated: 2018-04-10. Review status: criteria provided, single submitter. Criteria: Quest Diagnostics criteria. Collection method: clinical testing. Allele origin: germline.

The ITHANET community portal, The Cyprus Institute of Neurology and Genetics
Classification: Pathogenic for beta Thalassemia. Last evaluated: 2019-11-25. Review status: no assertion criteria provided. Collection method: curation. Allele origin: germline. Not counted in ClinVar's aggregate classification.

OMIM
Classification: Pathogenic for BETA-ZERO-THALASSEMIA. Last evaluated: 1988-02-01. Review status: no assertion criteria provided. Collection method: literature only. Allele origin: germline. Not counted in ClinVar's aggregate classification.

Dr. Peter K. Rogan Lab, Western University
No classification provided (evidence only). Condition: Nonpapillary renal cell carcinoma. Review status: no classification provided. Collection method: in vitro. Allele origin: not applicable. Functional consequence: retained intron. Not counted in ClinVar's aggregate classification.

Literature cited by the submitters: PubMed 24369358 (cited by Natera, Inc.); PubMed 3422218 (cited by 3 submitters); PubMed 24065537 (cited by Women's Health and Genetics/Laboratory Corporation of America, LabCorp).